The following is an entry in ClinVar:

NM_000051.4(ATM):c.212A>G (p.Glu71Gly)

Gene: ATM (ATM serine/threonine kinase; plus strand). Cytogenetic location: 11q22.3.
Variant type: single nucleotide variant.
Coding change: c.212A>G on transcript NM_000051.4 (MANE Select); coding-DNA position 212, A replaced by G.
Protein change: p.Glu71Gly; replaces glutamic acid 71 with glycine.
Molecular consequence: missense variant.
Genome position (GRCh38, 1-based): chr11:108,229,204, A>G. VCF-style: chr11-108229204-A-G. GRCh37 (hg19) VCF-style: chr11-108099931-A-G.
Other names: c.212A>G, p.Glu71Gly (NM_001351834.2, NM_001351835.2, NM_001351836.2); short protein forms E71G.
Identifiers: ClinVar variation 1786370 (VCV001786370.2), dbSNP rs2496918896, ClinGen allele CA382521310.

ClinVar aggregate classification (germline): Uncertain significance (1 of 4 stars; one submission).

Conditions:
Hereditary cancer-predisposing syndrome. Also called: Neoplastic Syndromes, Hereditary; Tumor predisposition; Hereditary Cancer Syndrome; Hereditary neoplastic syndrome. Identifiers: Orphanet 140162, MedGen C0027672, MeSH D009386, MONDO:0015356.

Submission:

Ambry Genetics
Classification: Uncertain significance for Hereditary cancer-predisposing syndrome. Last evaluated: 2022-06-17. Review status: criteria provided, single submitter. Criteria: Ambry Variant Classification Scheme 2023. Collection method: clinical testing. Allele origin: germline.
Comment: The p.E71G variant (also known as c.212A>G), located in coding exon 3 of the ATM gene, results from an A to G substitution at nucleotide position 212. The glutamic acid at codon 71 is replaced by glycine, an amino acid with similar properties. This amino acid position is highly conserved in available vertebrate species. In addition, this alteration is predicted to be deleterious by in silico analysis. Since supporting evidence is limited at this time, the clinical significance of this alteration remains unclear.